The following is an entry in ClinVar:

NM_000260.4(MYO7A):c.*230A>G

Gene: MYO7A (myosin VIIA; plus strand). Cytogenetic location: 11q13.5.
Variant type: single nucleotide variant.
Coding change: c.*230A>G on transcript NM_000260.4 (MANE Select); 230 bases downstream of the stop codon, A replaced by G.
Molecular consequence: 3 prime UTR variant.
Genome position (GRCh38, 1-based): chr11:77,214,926, A>G. VCF-style: chr11-77214926-A-G. GRCh37 (hg19) VCF-style: chr11-76925971-A-G.
Other names: c.*230A>G (NM_001127180.2, NM_001369365.1).
Identifiers: ClinVar variation 306207 (VCV000306207.7), dbSNP rs112830819, ClinGen allele CA10631572.

ClinVar aggregate classification (germline): Benign/Likely benign. Review status: criteria provided, multiple submitters, no conflicts (2 of 4 stars). 5 submissions from 3 submitters: Benign (3); Likely benign (2). Last evaluated 2018-07-14.

Conditions:
Autosomal dominant nonsyndromic hearing loss 11. Identifiers: Orphanet 90635, MedGen C1832475, MONDO:0011032, OMIM 601317.
Autosomal recessive nonsyndromic hearing loss 2. Also called: DEAFNESS, AUTOSOMAL RECESSIVE 2; NEUROSENSORY NONSYNDROMIC RECESSIVE DEAFNESS 2. Identifiers: Orphanet 90636, MedGen C1838701, MONDO:0010807, OMIM 600060.
Usher syndrome type 1 (USH1). Also called: RETINITIS PIGMENTOSA AND CONGENITAL DEAFNESS. Identifiers: Orphanet 231169, Orphanet 886, MedGen C1568247, MONDO:0010168, OMIM 276900.

Allele frequency attached by ClinVar (database versions not stated): gnomAD exomes 0.01584; 1000 Genomes Project 0.02915; 1000 Genomes Project 30x 0.02967; gnomAD 0.03328 and 0.03507; TOPMed 0.03655.
gnomAD v4.1: 10,948 of 516,352 alleles (2.1%); highest among the groups gnomAD compares: African/African-American, 8.4%; 261 homozygotes.

Submissions (5):

GeneDx
Classification: Benign. Last evaluated: 2018-07-14. Review status: criteria provided, single submitter. Criteria: GeneDx Variant Classification Process June 2021. Collection method: clinical testing. Allele origin: germline. Affected: yes.

Illumina Laboratory Services, Illumina
Classification: Benign for Autosomal dominant nonsyndromic hearing loss 11. Last evaluated: 2018-01-13. Review status: criteria provided, single submitter. Criteria: ICSL Variant Classification Criteria 13 December 2019. Collection method: clinical testing. Allele origin: germline.
Comment: This variant was observed in the ICSL laboratory as part of a predisposition screen in an ostensibly healthy population. It had not been previously curated by ICSL or reported in the Human Gene Mutation Database (HGMD: prior to June 1st, 2018), and was therefore a candidate for classification through an automated scoring system. Utilizing variant allele frequency, disease prevalence and penetrance estimates, and inheritance mode, an automated score was calculated to assess if this variant is too frequent to cause the disease. Based on the score and internal cut-off values, a variant classified as benign is not then subjected to further curation. The score for this variant resulted in a classification of benign for this disease.

Illumina Laboratory Services, Illumina
Classification: Benign for Usher syndrome type 1. Last evaluated: 2018-01-13. Review status: criteria provided, single submitter. Criteria: ICSL Variant Classification Criteria 13 December 2019. Collection method: clinical testing. Allele origin: germline.
Comment: the same text as in the submission from Illumina Laboratory Services, Illumina above.

Illumina Laboratory Services, Illumina
Classification: Likely benign for Autosomal recessive nonsyndromic hearing loss 2. Last evaluated: 2018-01-13. Review status: criteria provided, single submitter. Criteria: ICSL Variant Classification Criteria 13 December 2019. Collection method: clinical testing. Allele origin: germline.
Comment: This variant was observed in the ICSL laboratory as part of a predisposition screen in an ostensibly healthy population. It had not been previously curated by ICSL or reported in the Human Gene Mutation Database (HGMD: prior to June 1st, 2018), and was therefore a candidate for classification through an automated scoring system. Utilizing variant allele frequency, disease prevalence and penetrance estimates, and inheritance mode, an automated score was calculated to assess if this variant is too frequent to cause the disease. Based on the score and internal cut-off values, a variant classified as likely benign is not then subjected to further curation. The score for this variant resulted in a classification of likely benign for this disease.

Breakthrough Genomics
Classification: Likely benign. Review status: criteria provided, single submitter. Criteria: ACMG Guidelines, 2015. Collection method: not provided. Allele origin: germline. Inheritance: Autosomal recessive inheritance. Affected: yes.